The following is an entry in ClinVar:

NM_003098.3(SNTA1):c.259C>A (p.Arg87Ser)

Genes: SNTA1 (syntrophin alpha 1; minus strand), LOC130065679 (ATAC-STARR-seq lymphoblastoid silent region 12811; plus strand). Cytogenetic location: 20q11.21.
Variant type: single nucleotide variant.
Coding change: c.259C>A on transcript NM_003098.3 (MANE Select); coding-DNA position 259, C replaced by A.
Protein change: p.Arg87Ser; replaces arginine 87 with serine.
Molecular consequence: missense variant.
Genome position (GRCh38, 1-based): chr20:33,443,362, G>T on the plus strand (C>A on the coding strand, the complement: SNTA1 is on the minus strand). VCF-style: chr20-33443362-G-T. GRCh37 (hg19) VCF-style: chr20-32031168-G-T.
Other names: p.R87S:CGC>AGC; short protein forms R87S.
Identifiers: ClinVar variation 190905 (VCV000190905.7), dbSNP rs786205843, ClinGen allele CA302246.
Genomic context (GRCh38, chr20:33,443,362, plus strand): 5'-CGCGCCCACCTTTGATGCTGATGCCCAGCCCACCGGCGTCGGCCTTGCGCACCGTCACGC[G>T]GCGCCGCTGGAGCAGTAGCGCCTCTGGCAGCTGCGGGGGCCCGGCGCCCGGCTCCGCGGC-3'
Protein context (NP_003089.1, residues 77-97): LPEALLLQRR[Arg87Ser]VTVRKADAGG

ClinVar aggregate classification (germline): Uncertain significance. Review status: criteria provided, multiple submitters, no conflicts (2 of 4 stars). 2 submissions from 2 submitters: Uncertain significance (2). Last evaluated 2026-08-26.

Conditions:
Cardiovascular phenotype. Identifiers: MedGen CN230736.

Allele frequency attached by ClinVar (database versions not stated): gnomAD exomes 0.00001.
gnomAD v4.1: 4 of 1,462,588 alleles (0.00027%); highest among the groups gnomAD compares: Non-Finnish European, 0.00036%; no homozygotes.

Submissions (2):

GeneDx
Classification: Uncertain significance. Last evaluated: 2026-08-26. Review status: criteria provided, single submitter. Criteria: GeneDx Variant Classification Process June 2021. Collection method: clinical testing. Allele origin: germline.
Comment: Not observed at significant frequency in large population cohorts (gnomAD); In silico analysis suggests that this missense variant does not alter protein structure/function; Has not been previously published as pathogenic or benign to our knowledge

Ambry Genetics
Classification: Uncertain significance for Cardiovascular phenotype. Last evaluated: 2022-11-23. Review status: criteria provided, single submitter. Criteria: Ambry Variant Classification Scheme 2023. Collection method: clinical testing. Allele origin: germline.